The following is an entry in ClinVar:

ClinVar aggregate classification (germline): Uncertain significance. Review status: criteria provided, multiple submitters, no conflicts (2 of 4 stars). 2 submissions from 2 submitters: Uncertain significance (2). Last evaluated 2025-10-24.

Conditions:
Lethal multiple pterygium syndrome (LMPS). Identifiers: Orphanet 33108, MedGen C1854678, MONDO:0009668, OMIM 253290.

Allele frequency attached by ClinVar (database versions not stated): gnomAD 0.00001; ExAC 0.00002; gnomAD exomes 0.00002.
gnomAD v4.1: 16 of 1,613,808 alleles (0.00099%); highest among the groups gnomAD compares: East Asian, 0.0067%; no homozygotes.

Submissions (2):

Labcorp Genetics (formerly Invitae), Labcorp
Classification: Uncertain significance for Lethal multiple pterygium syndrome. Last evaluated: 2025-10-24. Review status: criteria provided, single submitter. Criteria: Invitae Variant Classification Sherloc (09022015). Collection method: clinical testing. Allele origin: germline.
Comment: This sequence change replaces arginine, which is basic and polar, with tryptophan, which is neutral and slightly polar, at codon 40 of the CHRNA1 protein (p.Arg40Trp). This variant is present in population databases (rs774423842, gnomAD 0.006%). This variant has not been reported in the literature in individuals affected with CHRNA1-related conditions. ClinVar contains an entry for this variant (Variation ID: 1408818). Invitae Evidence Modeling of protein sequence and biophysical properties (such as structural, functional, and spatial information, amino acid conservation, physicochemical variation, residue mobility, and thermodynamic stability) indicates that this missense variant is expected to disrupt CHRNA1 protein function with a positive predictive value of 80%. In summary, the available evidence is currently insufficient to determine the role of this variant in disease. Therefore, it has been classified as a Variant of Uncertain Significance.

Kasturba Medical College, Manipal, Kasturba Medical College, Manipal, Manipal Academy of Higher Education, Manipal, India
Classification: Uncertain significance for Lethal multiple pterygium syndrome. Review status: criteria provided, single submitter. Criteria: ACMG Guidelines, 2015. Collection method: clinical testing. Allele origin: biparental. Inheritance: Autosomal recessive inheritance. Affected: yes. Observed: 1 homozygote.
Comment: In silico tools (CADD, GERP, Mutation Taster, Revel and ClinPred) predict the variant to be disease causing, resulting in the formation of non-functional protein.

NM_000079.4(CHRNA1):c.118C>T (p.Arg40Trp)

Gene: CHRNA1 (cholinergic receptor nicotinic alpha 1 subunit; minus strand). Cytogenetic location: 2q31.1.
Variant type: single nucleotide variant.
Coding change: c.118C>T on transcript NM_000079.4 (MANE Select); coding-DNA position 118, C replaced by T.
Protein change: p.Arg40Trp; replaces arginine 40 with tryptophan.
Molecular consequence: missense variant.
Genome position (GRCh38, 1-based): chr2:174,759,559, G>A on the plus strand (C>T on the coding strand, the complement: CHRNA1 is on the minus strand). VCF-style: chr2-174759559-G-A. GRCh37 (hg19) VCF-style: chr2-175624287-G-A.
Other names: c.118C>T, p.Arg40Trp (NM_001039523.3); short protein forms R40W.
Identifiers: ClinVar variation 1408818 (VCV001408818.7), dbSNP rs774423842, ClinGen allele CA1974698.
Genomic context (GRCh38, chr2:174,759,559, plus strand): 5'-GCTGTATCAGCTGCAGGCCCACGGTGACCTCCACGACCTGGCGGTGGTCTTCCACTGGCC[G>A]CACCACGCTGCTGTAGTCTTTAAATAGCTTTGCCACCAGACGGGTCTCATGTTCGGAGCC-3'
Protein context (NP_000070.1, residues 30-50): KLFKDYSSVV[Arg40Trp]PVEDHRQVVE